The following is an entry in ClinVar:

ClinVar aggregate classification (germline): Uncertain significance (1 of 4 stars; one submission).

Conditions:
Inborn genetic diseases. Identifiers: MedGen C0950123, MeSH D030342.

Submission:

Ambry Genetics
Classification: Uncertain significance for Inborn genetic diseases. Last evaluated: 2023-07-16. Review status: criteria provided, single submitter. Criteria: Ambry Variant Classification Scheme 2023. Collection method: clinical testing. Allele origin: germline.
Comment: The p.P1843S variant (also known as c.5527C>T), located in coding exon 38 of the LRRK2 gene, results from a C to T substitution at nucleotide position 5527. The proline at codon 1843 is replaced by serine, an amino acid with similar properties. This amino acid position is conserved. In addition, the in silico prediction for this alteration is inconclusive. Since supporting evidence is limited at this time, the clinical significance of this alteration remains unclear.

NM_198578.4(LRRK2):c.5527C>T (p.Pro1843Ser)

Gene: LRRK2 (leucine rich repeat kinase 2; plus strand). Cytogenetic location: 12q12.
Variant type: single nucleotide variant.
Coding change: c.5527C>T on transcript NM_198578.4 (MANE Select); coding-DNA position 5527, C replaced by T.
Protein change: p.Pro1843Ser; replaces proline 1843 with serine.
Molecular consequence: missense variant.
Genome position (GRCh38, 1-based): chr12:40,323,177, C>T. VCF-style: chr12-40323177-C-T. GRCh37 (hg19) VCF-style: chr12-40716979-C-T.
Other names: short protein forms P1843S.
Identifiers: ClinVar variation 2587264 (VCV002587264.2), dbSNP rs2499888729, ClinGen allele CA384420984.